The following is an entry in ClinVar:

ClinVar aggregate classification (germline): Uncertain significance (1 of 4 stars; one submission).

Submission:

Labcorp Genetics (formerly Invitae), Labcorp
Classification: Uncertain significance. Last evaluated: 2023-12-27. Review status: criteria provided, single submitter. Criteria: Invitae Variant Classification Sherloc (09022015). Collection method: clinical testing. Allele origin: germline.
Comment: This sequence change replaces lysine, which is basic and polar, with threonine, which is neutral and polar, at codon 280 of the ELOVL4 protein (p.Lys280Thr). This variant is not present in population databases (gnomAD no frequency). This variant has not been reported in the literature in individuals affected with ELOVL4-related conditions. Advanced modeling of protein sequence and biophysical properties (such as structural, functional, and spatial information, amino acid conservation, physicochemical variation, residue mobility, and thermodynamic stability) performed at Invitae indicates that this missense variant is not expected to disrupt ELOVL4 protein function with a negative predictive value of 80%. In summary, the available evidence is currently insufficient to determine the role of this variant in disease. Therefore, it has been classified as a Variant of Uncertain Significance.

NM_022726.4(ELOVL4):c.839A>C (p.Lys280Thr)

Gene: ELOVL4 (ELOVL fatty acid elongase 4; minus strand). Cytogenetic location: 6q14.1.
Variant type: single nucleotide variant.
Coding change: c.839A>C on transcript NM_022726.4 (MANE Select); coding-DNA position 839, A replaced by C.
Protein change: p.Lys280Thr; replaces lysine 280 with threonine.
Molecular consequence: missense variant.
Genome position (GRCh38, 1-based): chr6:79,916,714, T>G on the plus strand (A>C on the coding strand, the complement: ELOVL4 is on the minus strand). VCF-style: chr6-79916714-T-G. GRCh37 (hg19) VCF-style: chr6-80626431-T-G.
Other names: short protein forms K280T.
Identifiers: ClinVar variation 2696025 (VCV002696025.3), dbSNP rs2532967626, ClinGen allele CA364655734.